The following is an entry in ClinVar:

ClinVar aggregate classification (germline): Uncertain significance (1 of 4 stars; one submission).

Submission:

GeneDx
Classification: Uncertain significance. Last evaluated: 2024-07-03. Review status: criteria provided, single submitter. Criteria: GeneDx Variant Classification Process June 2021. Collection method: clinical testing. Allele origin: germline. Affected: yes.
Comment: Not observed at significant frequency in large population cohorts (gnomAD); In silico analysis supports that this missense variant has a deleterious effect on protein structure/function; Has not been previously published as pathogenic or benign to our knowledge

NM_014975.3(MAST1):c.1179C>A (p.His393Gln)

Gene: MAST1 (microtubule associated serine/threonine kinase 1; plus strand). Cytogenetic location: 19p13.13.
Variant type: single nucleotide variant.
Coding change: c.1179C>A on transcript NM_014975.3 (MANE Select); coding-DNA position 1179, C replaced by A.
Protein change: p.His393Gln; replaces histidine 393 with glutamine.
Molecular consequence: missense variant.
Genome position (GRCh38, 1-based): chr19:12,858,552, C>A. VCF-style: chr19-12858552-C-A. GRCh37 (hg19) VCF-style: chr19-12969366-C-A.
Other names: short protein forms H393Q.
Identifiers: ClinVar variation 3393887 (VCV003393887.1).